The following is an entry in ClinVar:

ClinVar aggregate classification (germline): Uncertain significance (1 of 4 stars; one submission).

Submission:

GeneDx
Classification: Uncertain significance. Last evaluated: 2025-04-14. Review status: criteria provided, single submitter. Criteria: GeneDx Variant Classification Process June 2021. Collection method: clinical testing. Allele origin: germline. Affected: yes.
Comment: Not observed at significant frequency in large population cohorts (gnomAD); In silico analysis supports that this missense variant has a deleterious effect on protein structure/function; Has not been previously published as pathogenic or benign to our knowledge

NM_024334.3(TMEM43):c.986T>C (p.Ile329Thr)

Gene: TMEM43 (transmembrane protein 43; plus strand). Cytogenetic location: 3p25.1.
Variant type: single nucleotide variant.
Coding change: c.986T>C on transcript NM_024334.3 (MANE Select); coding-DNA position 986, T replaced by C.
Protein change: p.Ile329Thr; replaces isoleucine 329 with threonine.
Molecular consequence: missense variant.
Genome position (GRCh38, 1-based): chr3:14,139,283, T>C. VCF-style: chr3-14139283-T-C. GRCh37 (hg19) VCF-style: chr3-14180783-T-C.
Other names: c.989T>C, p.Ile330Thr (NM_001407274.1); c.983T>C, p.Ile328Thr (NM_001407275.1, NM_001407276.1); c.980T>C, p.Ile327Thr (NM_001407277.1); c.971T>C, p.Ile324Thr (NM_001407278.1); c.911T>C, p.Ile304Thr (NM_001407279.1); c.836T>C, p.Ile279Thr (NM_001407280.1); short protein forms I279T, I304T, I324T, I327T, I328T, I329T, I330T.
Identifiers: ClinVar variation 4527068 (VCV004527068.1).